The following is an entry in ClinVar:

NM_022773.4(LMF1):c.358T>C (p.Ser120Pro)

Gene: LMF1 (lipase maturation factor 1; minus strand). Cytogenetic location: 16p13.3.
Variant type: single nucleotide variant.
Coding change: c.358T>C on transcript NM_022773.4 (MANE Select); coding-DNA position 358, T replaced by C.
Protein change: p.Ser120Pro; replaces serine 120 with proline.
Molecular consequence: missense variant. On other transcripts: 5 prime UTR variant (3), non-coding transcript variant (1).
Genome position (GRCh38, 1-based): chr16:954,502, A>G on the plus strand (T>C on the coding strand, the complement: LMF1 is on the minus strand). VCF-style: chr16-954502-A-G. GRCh37 (hg19) VCF-style: chr16-1004502-A-G.
Other names: c.-446T>C (NM_001352017.2); c.-197T>C (NM_001352018.2); c.31T>C, p.Ser11Pro (NM_001352019.2); c.358T>C, p.Ser120Pro (NM_001352020.1); c.-348T>C (NM_001352021.2); short protein forms S120P, S11P.
Identifiers: ClinVar variation 4614532 (VCV004614532.1).

ClinVar aggregate classification (germline): Uncertain significance (1 of 4 stars; one submission).

Conditions:
Cardiovascular phenotype. Identifiers: MedGen CN230736.

gnomAD v4.1: 3 of 1,612,778 alleles (0.00019%); highest among the groups gnomAD compares: Admixed American, 0.005%; no homozygotes.

Submission:

Ambry Genetics
Classification: Uncertain significance for Cardiovascular phenotype. Last evaluated: 2025-12-02. Review status: criteria provided, single submitter. Criteria: Ambry Variant Classification Scheme 2023. Collection method: clinical testing. Allele origin: germline.
Comment: The p.S120P variant (also known as c.358T>C), located in coding exon 2 of the LMF1 gene, results from a T to C substitution at nucleotide position 358. The serine at codon 120 is replaced by proline, an amino acid with similar properties. This amino acid position is conserved. In addition, the in silico prediction for this alteration is inconclusive. Based on the available evidence, the clinical significance of this variant remains unclear.